The following is an entry in ClinVar:

ClinVar aggregate classification (germline): Uncertain significance (1 of 4 stars; one submission).

Submission:

Labcorp Genetics (formerly Invitae), Labcorp
Classification: Uncertain significance. Last evaluated: 2022-02-18. Review status: criteria provided, single submitter. Criteria: Invitae Variant Classification Sherloc (09022015). Collection method: clinical testing. Allele origin: germline.
Comment: This variant has not been reported in the literature in individuals affected with TECTA-related conditions. In summary, the available evidence is currently insufficient to determine the role of this variant in disease. Therefore, it has been classified as a Variant of Uncertain Significance. This variant results in a copy number gain of the genomic region encompassing exon(s) 1-22 of the TECTA gene. This region includes the initiator codon of the gene. This copy number gain extends beyond the assayed region for this gene and therefore may encompass additional genes. As the precise location of this event is unknown, it may be in tandem or it may be located elsewhere in the genome.

NC_000011.9:g.(?_119103138)_(121060609_?)dup

Genes: THY1 (Thy-1 cell surface antigen; minus strand), TLCD5 (TLC domain containing 5; plus strand), TRIM29 (tripartite motif containing 29; minus strand), USP2 (ubiquitin specific peptidase 2; minus strand), ARHGEF12 (Rho guanine nucleotide exchange factor 12; plus strand) and 11 more. Cytogenetic location: 11q23.3.
Variant type: Duplication.
Identifiers: ClinVar variation 2425350 (VCV002425350.4).